The following is an entry in ClinVar:

NM_001242896.3(DEPDC5):c.3010C>T (p.Arg1004Cys)

Gene: DEPDC5 (DEP domain containing 5, GATOR1 subcomplex subunit; plus strand). Cytogenetic location: 22q12.3.
Variant type: single nucleotide variant.
Coding change: c.3010C>T on transcript NM_001242896.3 (MANE Select); coding-DNA position 3010, C replaced by T.
Protein change: p.Arg1004Cys; replaces arginine 1004 with cysteine.
Molecular consequence: missense variant. On other transcripts: non-coding transcript variant (5).
Genome position (GRCh38, 1-based): chr22:31,845,226, C>T. VCF-style: chr22-31845226-C-T. GRCh37 (hg19) VCF-style: chr22-32241212-C-T.
Other names: c.2776C>T, p.Arg926Cys (NM_001242897.2, NM_001363854.2, NM_001364319.2); c.3010C>T, p.Arg1004Cys (NM_001363852.2, NM_001364318.2, NM_001364320.2); c.2926C>T, p.Arg976Cys (NM_001369901.1, NM_001369902.1); c.2983C>T, p.Arg995Cys (NM_001369903.1, NM_014662.6, NM_001136029.4); c.3010C>T (NM_001242896.1); short protein forms R976C, R926C, R995C, R1004C.
Identifiers: ClinVar variation 2735013 (VCV002735013.4), dbSNP rs1440528127, ClinGen allele CA411291506.

ClinVar aggregate classification (germline): Uncertain significance. Review status: criteria provided, multiple submitters, no conflicts (2 of 4 stars). 2 submissions from 2 submitters: Uncertain significance (2). Last evaluated 2024-12-10.

Conditions:
Inborn genetic diseases. Identifiers: MedGen C0950123, MeSH D030342.
Familial focal epilepsy with variable foci (FPEVF). Identifiers: Orphanet 98820, MedGen C1858477, MONDO:0020310.

Allele frequency attached by ClinVar (database versions not stated): gnomAD exomes below 0.00001; TOPMed 0.00002.

Submissions (2):

Ambry Genetics
Classification: Uncertain significance for Inborn genetic diseases. Last evaluated: 2024-12-10. Review status: criteria provided, single submitter. Criteria: Ambry Variant Classification Scheme 2023. Collection method: clinical testing. Allele origin: germline.

Labcorp Genetics (formerly Invitae), Labcorp
Classification: Uncertain significance for Familial focal epilepsy with variable foci. Last evaluated: 2024-04-25. Review status: criteria provided, single submitter. Criteria: Invitae Variant Classification Sherloc (09022015). Collection method: clinical testing. Allele origin: germline.
Comment: This sequence change replaces arginine, which is basic and polar, with cysteine, which is neutral and slightly polar, at codon 1004 of the DEPDC5 protein (p.Arg1004Cys). This variant is present in population databases (no rsID available, gnomAD 0.006%). This variant has not been reported in the literature in individuals affected with DEPDC5-related conditions. Experimental studies and prediction algorithms are not available or were not evaluated, and the functional significance of this variant is currently unknown. In summary, the available evidence is currently insufficient to determine the role of this variant in disease. Therefore, it has been classified as a Variant of Uncertain Significance.